The following is an entry in ClinVar:

NM_001918.5(DBT):c.967_975dup (p.Pro323_Leu325dup)

Gene: DBT (dihydrolipoamide branched chain transacylase E2; minus strand). Cytogenetic location: 1p21.2.
Variant type: Duplication.
Coding change: c.967_975dup on transcript NM_001918.5 (MANE Select); coding-DNA positions 967 to 975, 9 bases duplicated (CCTATCCTT; older notation c.967_975dupCCTATCCTT).
Protein change: p.Pro323_Leu325dup.
Molecular consequence: inframe insertion.
Genome position (GRCh38, 1-based): chr1:100,210,736-100,210,744, AAGGATAGG duplicated on the plus strand (CCTATCCTT on the coding strand, the reverse complement: DBT is on the minus strand); duplicating any 9 consecutive bases within chr1:100,210,736-100,210,746 gives the same sequence; the c. name uses the placement nearest the transcript's 3' end. VCF-style (leftmost placement, unchanged base first): chr1-100210735-T-TAAGGATAGG. GRCh37 (hg19) VCF-style: chr1-100676291-T-TAAGGATAGG.
Other names: c.967_975dupCCTATCCTT (NM_001918.3).
Identifiers: ClinVar variation 582428 (VCV000582428.8), dbSNP rs1557946237, ClinGen allele CA891842451.

ClinVar aggregate classification (germline): Uncertain significance (1 of 4 stars; one submission).

Conditions:
Maple syrup urine disease (MSUD). Identifiers: Orphanet 511, MedGen C0024776, MeSH D008375, MONDO:0009563. Disease mechanism: loss of function.

Submission:

Labcorp Genetics (formerly Invitae), Labcorp
Classification: Uncertain significance for Maple syrup urine disease. Last evaluated: 2018-06-20. Review status: criteria provided, single submitter. Criteria: Invitae Variant Classification Sherloc (09022015). Collection method: clinical testing. Allele origin: germline.
Comment: This variant has not been reported in the literature in individuals with DBT-related disease. Experimental studies and prediction algorithms are not available for this variant, and the functional significance of the duplicated amino acids is currently unknown. In summary, the available evidence is currently insufficient to determine the role of this variant in disease. Therefore, it has been classified as a Variant of Uncertain Significance. This variant is not present in population databases (ExAC no frequency). This variant, c.967_975dupCCTATCCTT, results in the insertion of 3 amino acids to the DBT protein (p.Pro323_Leu325dup), but otherwise preserves the integrity of the reading frame.